The following is an entry in ClinVar:

NM_001267550.2(TTN):c.38131G>T (p.Val12711Leu)

Gene: TTN (titin; minus strand). Cytogenetic location: 2q31.2.
Variant type: single nucleotide variant.
Coding change: c.38131G>T on transcript NM_001267550.2 (MANE Select); coding-DNA position 38131, G replaced by T.
Protein change: p.Val12711Leu; replaces valine 12711 with leucine.
Molecular consequence: missense variant. On other transcripts: intron variant (3).
Genome position (GRCh38, 1-based): chr2:178,654,820, C>A on the plus strand (G>T on the coding strand, the complement: TTN is on the minus strand). VCF-style: chr2-178654820-C-A. GRCh37 (hg19) VCF-style: chr2-179519547-C-A.
Other names: p.V12711L:GTG>TTG; c.34523-2279G>T (NM_001256850.1); c.13283-12503G>T (NM_003319.4); c.13859-12503G>T (NM_133437.4); c.13658-12503G>T (NM_133432.3); c.31742-2279G>T (NM_133378.4); c.38131G>T (LRG_391t1); short protein forms V12711L.
Identifiers: ClinVar variation 191982 (VCV000191982.3), dbSNP rs202075225, ClinGen allele CA302493.

ClinVar aggregate classification (germline): Uncertain significance. Review status: criteria provided, multiple submitters, no conflicts (2 of 4 stars). 3 submissions from 3 submitters: Uncertain significance (3). Last evaluated 2021-08-30.

Conditions:
Myopathy, myofibrillar, 9, with early respiratory failure (MFM9). Also called: EDSTROM MYOPATHY; MYOPATHY, PROXIMAL, WITH EARLY RESPIRATORY MUSCLE INVOLVEMENT; Myopathy, distal, with early respiratory failure, autosomal dominant; Hereditary myopathy with early respiratory failure. Identifiers: Orphanet 178464, Orphanet 34521, MedGen C1863599, MONDO:0011362, OMIM 603689.
Early-onset myopathy with fatal cardiomyopathy (CMYO5). Also called: CONGENITAL MYOPATHY 5 WITH CARDIOMYOPATHY; Salih Myopathy. Identifiers: Orphanet 289377, MedGen C2673677, MONDO:0012714, OMIM 611705. Disease mechanism: loss of function.
Hypertrophic cardiomyopathy 9. Also called: Familial hypertrophic cardiomyopathy 9. Identifiers: MedGen C1861065, MONDO:0013412, OMIM 613765.
Dilated cardiomyopathy 1G (CMD1G). Identifiers: Orphanet 154, MedGen C1858763, MONDO:0011400, OMIM 604145.
Tibial muscular dystrophy (TMD). Also called: UDD MYOPATHY; Tibial muscular dystrophy, tardive; Udd Distal Myopathy – Tibial Muscular Dystrophy. Identifiers: Orphanet 609, MedGen C1838244, MONDO:0010870, OMIM 600334.
Autosomal recessive limb-girdle muscular dystrophy type 2J (LGMDR10). Also called: MUSCULAR DYSTROPHY, LIMB-GIRDLE, AUTOSOMAL RECESSIVE 10; Limb-girdle muscular dystrophy, type 2J. Identifiers: Orphanet 140922, MedGen C1837342, MONDO:0012127, OMIM 608807.

Submissions (3):

Fulgent Genetics
Classification: Uncertain significance for Tibial muscular dystrophy; Myopathy, myofibrillar, 9, with early respiratory failure; Dilated cardiomyopathy 1G; Autosomal recessive limb-girdle muscular dystrophy type 2J; Early-onset myopathy with fatal cardiomyopathy; Hypertrophic cardiomyopathy 9. Last evaluated: 2021-08-30. Review status: criteria provided, single submitter. Criteria: ACMG Guidelines, 2015. Collection method: clinical testing. Allele origin: unknown.

GeneDx
Classification: Uncertain significance. Last evaluated: 2013-11-14. Review status: criteria provided, single submitter. Criteria: GeneDx Variant Classification (06012015). Collection method: clinical testing. Allele origin: germline. Affected: yes.
Comment: Missense variants in the TTN gene are considered 'unclassified' if they are not previously reported in the literature and do not have >1% frequency in the population to be considered a polymorphism. Research indicates that truncating mutations in the TTN gene are expected to account for approximately 25% of familial and 18% of sporadic idiopathic DCM; however, truncating variants in the TTN gene have been reported in approximately 3% of reported control alleles. There has been little investigation into non-truncating variants. (Herman D et al. Truncations of titin causing dilated cardiomyopathy. N Eng J Med 366:619-628, 2012) The variant is found in CARDIOMYOPATHY panel(s).

Biesecker Lab/Clinical Genomics Section, National Institutes of Health
Classification: Uncertain significance. Last evaluated: 2013-06-24. Review status: criteria provided, single submitter. Criteria: Ng et al. (Circ Cardiovasc Genet. 2013). Collection method: research. Allele origin: unknown. Observed: 1 variant allele. Study: ClinSeq.
Comment: The study set was not selected for affection status in relation to any cancer. Pathogenicity categories were based on literature curation. See Pubmed ID:23861362 for details.

Medical sequencing